The following is an entry in ClinVar:

NM_001244008.2(KIF1A):c.4145C>A (p.Ala1382Asp)

Gene: KIF1A (kinesin family member 1A; minus strand). Cytogenetic location: 2q37.3.
Variant type: single nucleotide variant.
Coding change: c.4145C>A on transcript NM_001244008.2 (MANE Select); coding-DNA position 4145, C replaced by A.
Protein change: p.Ala1382Asp; replaces alanine 1382 with aspartic acid.
Molecular consequence: missense variant.
Genome position (GRCh38, 1-based): chr2:240,725,382, G>T on the plus strand (C>A on the coding strand, the complement: KIF1A is on the minus strand). VCF-style: chr2-240725382-G-T. GRCh37 (hg19) VCF-style: chr2-241664799-G-T.
Other names: c.3869C>A, p.Ala1290Asp (NM_001320705.2, NM_001379649.1); c.3896C>A, p.Ala1299Asp (NM_001330289.2); c.3944C>A, p.Ala1315Asp (NM_001330290.2, NM_001379648.1); c.4220C>A, p.Ala1407Asp (NM_001379631.1); c.4121C>A, p.Ala1374Asp (NM_001379632.1); c.4118C>A, p.Ala1373Asp (NM_001379633.1, NM_001379645.1); c.3971C>A, p.Ala1324Asp (NM_001379634.1); c.3968C>A, p.Ala1323Asp (NM_001379635.1, NM_001379646.1); and 7 more; short protein forms A1281D, A1315D, A1373D, A1289D, A1306D, A1324D, A1374D, A1382D.
Identifiers: ClinVar variation 2945806 (VCV002945806.3), dbSNP rs1384802230, ClinGen allele CA351308250.

ClinVar aggregate classification (germline): Uncertain significance (1 of 4 stars; one submission).

Conditions:
Neuropathy, hereditary sensory, type 2C. Also called: KIF1A-Related HSAN2 (HSAN2C); Hereditary sensory and autonomic neuropathy type IIC. Identifiers: Orphanet 970, MedGen C3280168, MONDO:0013634, OMIM 614213.
Hereditary spastic paraplegia 30. Identifiers: Orphanet 101010, MedGen C5235139, MONDO:0012476.
Intellectual disability, autosomal dominant 9 (NESCAVS). Also called: NESCAV SYNDROME; KIF1A-Related Neurodevelopmental Disorder. Identifiers: Orphanet 662367, MedGen C5393830, MONDO:0013656, OMIM 614255.

Submission:

Labcorp Genetics (formerly Invitae), Labcorp
Classification: Uncertain significance for Hereditary spastic paraplegia 30; Neuropathy, hereditary sensory, type 2C; Intellectual disability, autosomal dominant 9. Last evaluated: 2023-03-26. Review status: criteria provided, single submitter. Criteria: Invitae Variant Classification Sherloc (09022015). Collection method: clinical testing. Allele origin: germline.
Comment: In summary, the available evidence is currently insufficient to determine the role of this variant in disease. Therefore, it has been classified as a Variant of Uncertain Significance. Advanced modeling of protein sequence and biophysical properties (such as structural, functional, and spatial information, amino acid conservation, physicochemical variation, residue mobility, and thermodynamic stability) performed at Invitae indicates that this missense variant is not expected to disrupt KIF1A protein function. This variant has not been reported in the literature in individuals affected with KIF1A-related conditions. This variant is not present in population databases (gnomAD no frequency). This sequence change replaces alanine, which is neutral and non-polar, with aspartic acid, which is acidic and polar, at codon 1281 of the KIF1A protein (p.Ala1281Asp).